The following is an entry in ClinVar:

ClinVar aggregate classification (germline): Uncertain significance (1 of 4 stars; one submission).

Conditions:
Inborn genetic diseases. Identifiers: MedGen C0950123, MeSH D030342.

gnomAD v4.1: 5 of 1,601,026 alleles (0.00031%); highest among the groups gnomAD compares: Non-Finnish European, 0.00043%; no homozygotes.

Submission:

Ambry Genetics
Classification: Uncertain significance for Inborn genetic diseases. Last evaluated: 2025-07-09. Review status: criteria provided, single submitter. Criteria: Ambry Variant Classification Scheme 2023. Collection method: clinical testing. Allele origin: germline.
Comment: The p.V207L variant (also known as c.619G>C), located in coding exon 4 of the MIB1 gene, results from a G to C substitution at nucleotide position 619. The valine at codon 207 is replaced by leucine, an amino acid with highly similar properties. This amino acid position is conserved. In addition, the in silico prediction for this alteration is inconclusive. Based on the available evidence, the clinical significance of this variant remains unclear.

NM_020774.4(MIB1):c.619G>C (p.Val207Leu)

Gene: MIB1 (MIB E3 ubiquitin protein ligase 1; plus strand). Cytogenetic location: 18q11.2.
Variant type: single nucleotide variant.
Coding change: c.619G>C on transcript NM_020774.4 (MANE Select); coding-DNA position 619, G replaced by C.
Protein change: p.Val207Leu; replaces valine 207 with leucine.
Molecular consequence: missense variant.
Genome position (GRCh38, 1-based): chr18:21,773,711, G>C. VCF-style: chr18-21773711-G-C. GRCh37 (hg19) VCF-style: chr18-19353672-G-C.
Other names: short protein forms V207L.
Identifiers: ClinVar variation 4107587 (VCV004107587.1).